The following is an entry in ClinVar:

ClinVar aggregate classification (germline): Uncertain significance (1 of 4 stars; one submission).

Conditions:
Familial cancer of breast. Also called: hereditary breast carcinoma; Hereditary breast cancer; BREAST CANCER, FAMILIAL. Identifiers: Orphanet 227535, MedGen C0346153, MONDO:0016419, OMIM 114480. Disease mechanism: loss of function.

Submission:

Labcorp Genetics (formerly Invitae), Labcorp
Classification: Uncertain significance for Familial cancer of breast. Last evaluated: 2024-09-03. Review status: criteria provided, single submitter. Criteria: Invitae Variant Classification Sherloc (09022015). Collection method: clinical testing. Allele origin: germline.
Comment: This sequence change replaces threonine, which is neutral and polar, with proline, which is neutral and non-polar, at codon 133 of the CHEK2 protein (p.Thr133Pro). This variant is not present in population databases (gnomAD no frequency). This variant has not been reported in the literature in individuals affected with CHEK2-related conditions. An algorithm developed to predict the effect of missense changes on protein structure and function (PolyPhen-2) suggests that this variant is likely to be tolerated. In summary, the available evidence is currently insufficient to determine the role of this variant in disease. Therefore, it has been classified as a Variant of Uncertain Significance.

NM_007194.4(CHEK2):c.397A>C (p.Thr133Pro)

Gene: CHEK2 (checkpoint kinase 2; minus strand). Cytogenetic location: 22q12.1.
Variant type: single nucleotide variant.
Coding change: c.397A>C on transcript NM_007194.4 (MANE Select); coding-DNA position 397, A replaced by C.
Protein change: p.Thr133Pro; replaces threonine 133 with proline.
Molecular consequence: missense variant.
Genome position (GRCh38, 1-based): chr22:28,725,290, T>G on the plus strand (A>C on the coding strand, the complement: CHEK2 is on the minus strand). VCF-style: chr22-28725290-T-G. GRCh37 (hg19) VCF-style: chr22-29121278-T-G.
Other names: c.526A>C, p.Thr176Pro (NM_001005735.3); c.-381A>C (NM_001257387.3); c.397A>C, p.Thr133Pro (NM_001349956.3, NM_145862.3); short protein forms T176P, T133P.
Identifiers: ClinVar variation 3664306 (VCV003664306.2).
Genomic context (GRCh38, chr22:28,725,290, plus strand): 5'-ATTCATTACCTACCCTGAAAATCCGAAAGTGTTTCTTGCTGTATGTTCGGTATTTATCTG[T>G]TCTTTTCAGCAGTGGTTCATCAAAGCAATATTCACAGCTTTTGTCCCTCCCAAACCAGTA-3'
Protein context (NP_009125.1, residues 123-143): YCFDEPLLKR[Thr133Pro]DKYRTYSKKH